The following is an entry in ClinVar:

ClinVar aggregate classification (germline): Uncertain significance. Review status: criteria provided, multiple submitters, no conflicts (2 of 4 stars). 3 submissions from 3 submitters: Uncertain significance (3). Last evaluated 2026-07-02.

Conditions:
Hereditary breast ovarian cancer syndrome. Also called: Hereditary breast and ovarian cancer syndrome; Hereditary breast and ovarian cancer syndrome (HBOC); Breast and ovarian cancer; Hereditary breast and/or ovarian cancer syndrome; Hereditary breast and ovarian cancer; BRCA1- and BRCA2-Associated Hereditary Breast and Ovarian Cancer. Identifiers: Orphanet 145, MedGen C0677776, MeSH D061325, MONDO:0003582. Disease mechanism: loss of function.
Hereditary cancer-predisposing syndrome. Also called: Hereditary Cancer Syndrome; Hereditary neoplastic syndrome; Neoplastic Syndromes, Hereditary; Tumor predisposition. Identifiers: Orphanet 140162, MedGen C0027672, MeSH D009386, MONDO:0015356.

Allele frequency attached by ClinVar (database versions not stated): gnomAD exomes below 0.00001.
gnomAD v4.1: 1 of 1,614,202 alleles (0.000062%); highest among the groups gnomAD compares: East Asian, 0.0022%; no homozygotes.

Submissions (3):

Ambry Genetics
Classification: Uncertain significance for Hereditary cancer-predisposing syndrome. Last evaluated: 2026-07-02. Review status: criteria provided, single submitter. Criteria: Ambry Variant Classification Scheme 2023. Collection method: clinical testing. Allele origin: germline.
Comment: The p.Q1409H variant (also known as c.4227G>C), located in coding exon 11 of the BRCA1 gene, results from a G to C substitution at nucleotide position 4227. The glutamine at codon 1409 is replaced by histidine, an amino acid with highly similar properties. This amino acid position is conserved. In addition, the in silico prediction for this alteration is inconclusive. Based on the available evidence, the clinical significance of this variant remains unclear.

Labcorp Genetics (formerly Invitae), Labcorp
Classification: Uncertain significance for Hereditary breast ovarian cancer syndrome. Last evaluated: 2023-03-09. Review status: criteria provided, single submitter. Criteria: Invitae Variant Classification Sherloc (09022015). Collection method: clinical testing. Allele origin: germline.
Comment: In summary, the available evidence is currently insufficient to determine the role of this variant in disease. Therefore, it has been classified as a Variant of Uncertain Significance. Advanced modeling of protein sequence and biophysical properties (such as structural, functional, and spatial information, amino acid conservation, physicochemical variation, residue mobility, and thermodynamic stability) performed at Invitae indicates that this missense variant is not expected to disrupt BRCA1 protein function. This variant has not been reported in the literature in individuals affected with BRCA1-related conditions. This variant is present in population databases (no rsID available, gnomAD 0.006%). This sequence change replaces glutamine, which is neutral and polar, with histidine, which is basic and polar, at codon 1409 of the BRCA1 protein (p.Gln1409His).

Color Diagnostics, LLC DBA Color Health
Classification: Uncertain significance for Hereditary cancer-predisposing syndrome. Last evaluated: 2021-09-22. Review status: criteria provided, single submitter. Criteria: ACMG Guidelines, 2015. Collection method: clinical testing. Allele origin: germline.
Comment: This missense variant replaces glutamine with histidine at codon 1409 of the BRCA1 protein. Computational prediction suggests that this variant may not impact protein structure and function (internally defined REVEL score threshold <= 0.5, PMID: 27666373). To our knowledge, functional studies have not been reported for this variant. This variant has not been reported in individuals affected with hereditary cancer in the literature. This variant has been identified in 1/251406 chromosomes in the general population by the Genome Aggregation Database (gnomAD). The available evidence is insufficient to determine the role of this variant in disease conclusively. Therefore, this variant is classified as a Variant of Uncertain Significance.

NM_007294.4(BRCA1):c.4227G>C (p.Gln1409His)

Gene: BRCA1 (BRCA1 DNA repair associated; minus strand). Cytogenetic location: 17q21.31.
Variant type: single nucleotide variant.
Coding change: c.4227G>C on transcript NM_007294.4 (MANE Select); coding-DNA position 4227, G replaced by C.
Protein change: p.Gln1409His; replaces glutamine 1409 with histidine.
Molecular consequence: missense variant.
Genome position (GRCh38, 1-based): chr17:43,082,534, C>G on the plus strand (G>C on the coding strand, the complement: BRCA1 is on the minus strand). VCF-style: chr17-43082534-C-G. GRCh37 (hg19) VCF-style: chr17-41234551-C-G.
Other names: c.4086G>C, p.Gln1362His (NM_001407731.1, NM_001407732.1, NM_001407733.1 and 23 more transcripts); c.4083G>C, p.Gln1361His (NM_001407740.1, NM_001407741.1, NM_001407742.1 and 23 more transcripts); c.918G>C, p.Gln306His (NM_007298.4, NM_007299.4, NM_007304.2 and 9 more transcripts); c.4227G>C, p.Gln1409His (NM_007300.4, NM_001407593.1, NM_001407594.1 and 23 more transcripts); c.4224G>C, p.Gln1408His (NM_001407610.1, NM_001407611.1, NM_001407587.1 and 21 more transcripts); c.915G>C, p.Gln305His (NM_001407983.1, NM_001407984.1, NM_001407985.1 and 18 more transcripts); c.912G>C, p.Gln304His (NM_001408407.1, NM_001408400.1, NM_001408401.1 and 1 more transcripts); c.909G>C, p.Gln303His (NM_001408408.1, NM_001408406.1); and 51 more; short protein forms Q1281H, Q1298H, Q1360H, Q1381H, Q179H, Q195H, Q197H, Q218H.
Identifiers: ClinVar variation 2774838 (VCV002774838.6), dbSNP rs786201618, ClinGen allele CA10593268.